The following is an entry in ClinVar:

ClinVar aggregate classification (germline): Uncertain significance. Review status: criteria provided, multiple submitters, no conflicts (2 of 4 stars). 5 submissions from 5 submitters: Uncertain significance (5). Last evaluated 2025-11-13.

Conditions:
Renal cell carcinoma. Identifiers: Orphanet 217071, MedGen C0007134, MeSH D002292, MONDO:0005086, HP:0005584.
Papillary renal cell carcinoma type 1 (RCCP1). Also called: RENAL CELL CARCINOMA, PAPILLARY, 1, SOMATIC; Renal adenocarcinoma; Renal cell carcinoma 1; Renal cell carcinoma, somatic. Identifiers: Orphanet 47044, MedGen C1336839, OMIM 605074, HP:0011797.
Hereditary cancer-predisposing syndrome. Also called: Tumor predisposition; Hereditary Cancer Syndrome; Hereditary neoplastic syndrome; Neoplastic Syndromes, Hereditary. Identifiers: Orphanet 140162, MedGen C0027672, MeSH D009386, MONDO:0015356.

Allele frequency attached by ClinVar (database versions not stated): gnomAD exomes 0.00001; ExAC 0.00002; TOPMed 0.00003.
gnomAD v4.1: 18 of 1,613,786 alleles (0.0011%); highest among the groups gnomAD compares: Admixed American, 0.0017%; no homozygotes.

Submissions (5):

Labcorp Genetics (formerly Invitae), Labcorp
Classification: Uncertain significance for Renal cell carcinoma. Last evaluated: 2025-11-13. Review status: criteria provided, single submitter. Criteria: Invitae Variant Classification Sherloc (09022015). Collection method: clinical testing. Allele origin: germline.
Comment: This sequence change replaces glutamic acid, which is acidic and polar, with lysine, which is basic and polar, at codon 924 of the MET protein (p.Glu924Lys). This variant is present in population databases (rs778115147, gnomAD 0.003%). This variant has not been reported in the literature in individuals affected with MET-related conditions. ClinVar contains an entry for this variant (Variation ID: 485757). Invitae Evidence Modeling of protein sequence and biophysical properties (such as structural, functional, and spatial information, amino acid conservation, physicochemical variation, residue mobility, and thermodynamic stability) indicates that this missense variant is not expected to disrupt MET protein function with a negative predictive value of 80%. In summary, the available evidence is currently insufficient to determine the role of this variant in disease. Therefore, it has been classified as a Variant of Uncertain Significance.

Ambry Genetics
Classification: Uncertain significance for Hereditary cancer-predisposing syndrome. Last evaluated: 2024-06-10. Review status: criteria provided, single submitter. Criteria: Ambry Variant Classification Scheme 2023. Collection method: clinical testing. Allele origin: germline.
Comment: The p.E924K variant (also known as c.2770G>A), located in coding exon 11 of the MET gene, results from a G to A substitution at nucleotide position 2770. The glutamic acid at codon 924 is replaced by lysine, an amino acid with similar properties. This amino acid position is highly conserved in available vertebrate species. In addition, the in silico prediction for this alteration is inconclusive. Based on the available evidence, the clinical significance of this variant remains unclear.

GeneDx
Classification: Uncertain significance. Last evaluated: 2023-02-09. Review status: criteria provided, single submitter. Criteria: GeneDx Variant Classification Process June 2021. Collection method: clinical testing. Allele origin: germline. Affected: yes.
Comment: Not observed at significant frequency in large population cohorts (gnomAD); In silico analysis supports that this missense variant has a deleterious effect on protein structure/function; Has not been previously published as pathogenic or benign to our knowledge

Sema4
Classification: Uncertain significance for Hereditary cancer-predisposing syndrome. Last evaluated: 2021-12-27. Review status: criteria provided, single submitter. Criteria: Sema4 Curation Guidelines. Collection method: curation. Allele origin: germline.
Comment: The MET c.2770G>A (p.E924K) variant has not been reported in the literature to our knowledge. It was observed in 1/34454 chromosomes of the Latino/Admixed American subpopulation, in the Genome Aggregation Database (PMID: 32461654). This variant has been reported in ClinVar (Variation ID 485757). Functional studies have not been performed, and in silico predictions of the variant's effect on protein function are inconclusive. The evidence is insufficient to meet ACMG/AMP criteria for classifying the variant as benign or pathogenic. Thus, the clinical significance of this variant is currently uncertain.

Mendelics
Classification: Uncertain significance for Renal cell carcinoma, papillary, 1. Last evaluated: 2018-07-02. Review status: criteria provided, single submitter. Criteria: Mendelics Assertion Criteria 2017. Collection method: clinical testing. Allele origin: unknown.

NM_000245.4(MET):c.2716G>A (p.Glu906Lys)

Gene: MET (MET proto-oncogene, receptor tyrosine kinase; plus strand). Cytogenetic location: 7q31.2.
Variant type: single nucleotide variant.
Coding change: c.2716G>A on transcript NM_000245.4 (MANE Select); coding-DNA position 2716, G replaced by A.
Protein change: p.Glu906Lys; replaces glutamic acid 906 with lysine.
Molecular consequence: missense variant.
Genome position (GRCh38, 1-based): chr7:116,769,777, G>A. VCF-style: chr7-116769777-G-A. GRCh37 (hg19) VCF-style: chr7-116409831-G-A.
Other names: c.2770G>A, p.Glu924Lys (NM_001127500.3); c.2716G>A, p.Glu906Lys (NM_001324401.3); c.1426G>A, p.Glu476Lys (NM_001324402.2); short protein forms E924K, E906K, E476K.
Identifiers: ClinVar variation 485757 (VCV000485757.19), dbSNP rs778115147, ClinGen allele CA4448555.